The following is an entry in ClinVar:

NM_004279.3(PMPCB):c.543_544del (p.Glu181fs)

Gene: PMPCB (peptidase, mitochondrial processing subunit beta; plus strand). Cytogenetic location: 7q22.1.
Variant type: Microsatellite.
Coding change: c.543_544del on transcript NM_004279.3 (MANE Select); coding-DNA positions 543 to 544, 2 bases deleted (GA; older notation c.543_544delGA).
Protein change: p.Glu181fs; shifts the reading frame from glutamic acid 181.
Molecular consequence: frameshift variant.
Genome position (GRCh38, 1-based): chr7:103,303,927-103,303,928, GA deleted; deleting any 2 consecutive bases within chr7:103,303,922-103,303,928 gives the same sequence; the c. name uses the placement nearest the transcript's 3' end. VCF-style (leftmost placement, unchanged base first): chr7-103303921-TAG-T. GRCh37 (hg19) VCF-style: chr7-102944368-TAG-T.
Other names: NM_004279.3:c.543_544del; short protein forms E181fs.
Identifiers: ClinVar variation 2500914 (VCV002500914.1), dbSNP rs755105367, ClinGen allele CA2579754010.

ClinVar aggregate classification (germline): Likely pathogenic (1 of 4 stars; one submission).

Conditions:
Multiple mitochondrial dysfunctions syndrome 6. Identifiers: Orphanet 569290, MedGen C4693741, MONDO:0054785, OMIM 617954.

Submission:

Broad Center for Mendelian Genomics, Broad Institute of MIT and Harvard
Classification: Likely pathogenic for Multiple mitochondrial dysfunctions syndrome 6. Last evaluated: 2023-05-02. Review status: criteria provided, single submitter. Criteria: ACMG Guidelines, 2015. Collection method: curation. Allele origin: germline. Inheritance: Autosomal recessive inheritance.
Comment: Trio exome analysis revealed this variant to be in trans with a likely pathogenic variant (ClinVar Variation ID: 523138). The p.Glu181AspfsTer5 variant in PMPCB has not been previously reported in individuals with multiple mitochondrial dysfunction syndrome 6. This variant was absent from large population studies. This variant is predicted to cause a frameshift, which alters the protein‚Äôs amino acid sequence beginning at position 181 and leads to a premature termination codon 5 amino acids downstream. This alteration is then predicted to lead to a truncated or absent protein. Loss of function of the PMPCB gene is strongly associated to autosomal recessive multiple mitochondrial dysfunction syndrome 6. In summary, although additional studies are required to fully establish its clinical significance, this variant is likely pathogenic for autosomal recessive multiple mitochondrial dysfunction syndrome 6. ACMG/AMP Criteria applied: PVS1_Strong, PM2_Supporting, PM3 (Richards 2015).